The following is an entry in ClinVar:

ClinVar aggregate classification (germline): Benign (1 of 4 stars; one submission).

Submission:

CeGaT Center for Human Genetics Tuebingen
Classification: Benign. Last evaluated: 2023-11-01. Review status: criteria provided, single submitter. Criteria: CeGaT Center For Human Genetics Tuebingen Variant Classification Criteria Version 2. Collection method: clinical testing. Allele origin: germline. Affected: yes. Observed: 1 variant allele.
Comment: MPRIP: BS1, BS2

NM_001364716.4(MPRIP):c.536GCA[8] (p.Ser187_Ser189del)

Gene: MPRIP (myosin phosphatase Rho interacting protein; plus strand). Cytogenetic location: 17p11.2.
Variant type: Microsatellite.
Coding change: c.536GCA[8] on transcript NM_001364716.4 (MANE Select); eight copies in a row of the 3-base unit GCA starting at c.536; the reference has 11 copies in a row; three copies, 9 bases deleted.
Protein change: p.Ser187_Ser189del.
Molecular consequence: inframe deletion.
Genome position (GRCh38, 1-based): chr17:17,136,274-17,136,282, GCAGCAGCA deleted; deleting any 9 consecutive bases within chr17:17,136,248-17,136,282 gives the same sequence; the position shown is the placement nearest the transcript's 3' end. VCF-style (leftmost placement, unchanged base first): chr17-17136247-CCAGCAGCAG-C. GRCh37 (hg19) VCF-style: chr17-17039561-CCAGCAGCAG-C.
Other names: c.536GCA[8], p.Ser187_Ser189del (NM_015134.4, NM_201274.4).
Identifiers: ClinVar variation 2672689 (VCV002672689.23), dbSNP rs3833098, ClinGen allele CA8414454.